The following is an entry in ClinVar:

ClinVar aggregate classification (germline): Uncertain significance. Review status: criteria provided, multiple submitters, no conflicts (2 of 4 stars). 2 submissions from 2 submitters: Uncertain significance (2). Last evaluated 2020-02-19.

Conditions:
ANKRD1-related dilated cardiomyopathy. Identifiers: MedGen CN119551.

Allele frequency attached by ClinVar (database versions not stated): gnomAD exomes below 0.00001; TOPMed below 0.00001.

Submissions (2):

Labcorp Genetics (formerly Invitae), Labcorp
Classification: Uncertain significance for ANKRD1-related dilated cardiomyopathy. Last evaluated: 2020-02-19. Review status: criteria provided, single submitter. Criteria: Invitae Variant Classification Sherloc (09022015). Collection method: clinical testing. Allele origin: germline.
Comment: Algorithms developed to predict the effect of missense changes on protein structure and function (SIFT, PolyPhen-2, Align-GVGD) all suggest that this variant is likely to be tolerated, but these predictions have not been confirmed by published functional studies and their clinical significance is uncertain. In summary, the available evidence is currently insufficient to determine the role of this variant in disease. Therefore, it has been classified as a Variant of Uncertain Significance. This variant has not been reported in the literature in individuals with ANKRD1-related conditions. ClinVar contains an entry for this variant (Variation ID: 387034). This variant is not present in population databases (ExAC no frequency). This sequence change replaces asparagine with aspartic acid at codon 17 of the ANKRD1 protein (p.Asn17Asp). The asparagine residue is weakly conserved and there is a small physicochemical difference between asparagine and aspartic acid.

GeneDx
Classification: Uncertain significance. Last evaluated: 2016-06-17. Review status: criteria provided, single submitter. Criteria: GeneDx Variant Classification (06012015). Collection method: clinical testing. Allele origin: germline. Affected: yes.
Comment: A variant of uncertain significance has been identified in the ANKRD1 gene. The N17D variant has not been published as a pathogenic variant, nor has it been reported as a benign variant to our knowledge. The N17D variant was not observed in approximately 6,500 individuals of European and African American ancestry in the NHLBI Exome Sequencing Project, indicating it is not a common benign variant in these populations. The N17D variant is a semi-conservative amino acid substitution, which may impact secondary protein structure as these residues differ in some properties. However, this substitution occurs at a position that is not conserved across species and in silico analysis predicts this variant likely does not alter the protein structure/function.Therefore, based on the currently available information, it is unclear whether this variant is pathogenic or rare benign.

NM_014391.3(ANKRD1):c.49A>G (p.Asn17Asp)

Gene: ANKRD1 (ankyrin repeat domain 1; minus strand). Cytogenetic location: 10q23.31.
Variant type: single nucleotide variant.
Coding change: c.49A>G on transcript NM_014391.3 (MANE Select); coding-DNA position 49, A replaced by G.
Protein change: p.Asn17Asp; replaces asparagine 17 with aspartic acid.
Molecular consequence: missense variant.
Genome position (GRCh38, 1-based): chr10:90,920,327, T>C on the plus strand (A>G on the coding strand, the complement: ANKRD1 is on the minus strand). VCF-style: chr10-90920327-T-C. GRCh37 (hg19) VCF-style: chr10-92680084-T-C.
Other names: short protein forms N17D.
Identifiers: ClinVar variation 387034 (VCV000387034.10), dbSNP rs1057522674, ClinGen allele CA16605734.
Genomic context (GRCh38, chr10:90,920,327, plus strand): 5'-CAGCAGCTTCATACTCTCCATCTCTGAAATCCTCAGGAAGGAATTCCCCTGCCTCCCCAT[T>C]GCCATTCTTCTTTCCAGTGACCTATGAGGGAAGAAGATGGCAGCGTCAGAAGCAGCAGCC-3'
Protein context (NP_055206.2, residues 7-27): EELVTGKKNG[Asn17Asp]GEAGEFLPED